The following is an entry in ClinVar:

ClinVar aggregate classification (germline): Uncertain significance (1 of 4 stars; one submission).

Submission:

Labcorp Genetics (formerly Invitae), Labcorp
Classification: Uncertain significance. Last evaluated: 2022-10-28. Review status: criteria provided, single submitter. Criteria: Invitae Variant Classification Sherloc (09022015). Collection method: clinical testing. Allele origin: germline.
Comment: In summary, the available evidence is currently insufficient to determine the role of this variant in disease. Therefore, it has been classified as a Variant of Uncertain Significance. Algorithms developed to predict the effect of missense changes on protein structure and function are either unavailable or do not agree on the potential impact of this missense change (SIFT: "Deleterious"; PolyPhen-2: "Probably Damaging"; Align-GVGD: "Class C0"). ClinVar contains an entry for this variant (Variation ID: 1041212). This variant has not been reported in the literature in individuals affected with GALNT12-related conditions. This variant is not present in population databases (gnomAD no frequency). This sequence change replaces isoleucine, which is neutral and non-polar, with asparagine, which is neutral and polar, at codon 346 of the GALNT12 protein (p.Ile346Asn).

NM_024642.5(GALNT12):c.1037T>A (p.Ile346Asn)

Gene: GALNT12 (polypeptide N-acetylgalactosaminyltransferase 12; plus strand). Cytogenetic location: 9q22.33.
Variant type: single nucleotide variant.
Coding change: c.1037T>A on transcript NM_024642.5 (MANE Select); coding-DNA position 1037, T replaced by A.
Protein change: p.Ile346Asn; replaces isoleucine 346 with asparagine.
Molecular consequence: missense variant.
Genome position (GRCh38, 1-based): chr9:98,836,973, T>A. VCF-style: chr9-98836973-T-A. GRCh37 (hg19) VCF-style: chr9-101599255-T-A.
Other names: short protein forms I346N.
Identifiers: ClinVar variation 1041212 (VCV001041212.10), dbSNP rs1836167752, ClinGen allele CA374219589.
Genomic context (GRCh38, chr9:98,836,973, plus strand): 5'-TATGGACCCGCAGCTCATCCCCTGCTCACCACCTGGCCTCTCCTTTTCTCTGTGTGCAGA[T>A]CTGGCAGTGTGGTGGGGTTCTGGAAACACACCCATGTTCCCATGTTGGCCATGTTTTCCC-3'
Protein context (NP_078918.3, residues 336-356): GGENLEFSFR[Ile346Asn]WQCGGVLETH